The following continues an entry in ClinVar:

NM_001370658.1(BTD):c.1270G>C (p.Asp424His)

Gene: BTD. ClinVar aggregate classification (germline): Conflicting classifications of pathogenicity. Pathogenic (45); Likely pathogenic (7); Uncertain significance (1).

Submissions 26 to 36 of 61:

Ambry Genetics
Classification: Pathogenic for Inborn genetic diseases. Last evaluated: 2024-01-25. Review status: criteria provided, single submitter. Criteria: Ambry Variant Classification Scheme 2023. Collection method: clinical testing. Allele origin: germline.
Comment: The c.1330G>C (p.D444H) alteration is located in exon 4 (coding exon 4) of the BTD gene. This alteration results from a G to C substitution at nucleotide position 1330, causing the aspartic acid (D) at amino acid position 444 to be replaced by a histidine (H). Based on data from the Genome Aggregation Database (gnomAD), the BTD c.1330G>C alteration was observed in 3.18% (9005/282830) of total alleles studied, with a frequency of 5.56% (1396/25118) in the European (Finnish) subpopulation. This alteration has been reported in essentially all patients with partial biotinidase deficiency (defined as serum biotinidase activity of 10-30%) who have a second profound allele in trans configuration. The D444H allele results in approximately 50% reduction of biotinidase enzyme activity. Heterozygous carriers of D444H have approximately 75% mean normal enzyme activity. Homozygotes for D444H alone have approximately 50% of mean normal enzyme activity, similar to heterozygous carriers of one profound allele, and do not have clinical biotinidase deficiency. However, the double mutation of D444H in cis with A171T results in a profound deficiency allele with <10% of residual enzyme activity. This double mutation has been reported in patients with profound biotinidase deficiency when in trans with another profound allele or in the homozygous state (Swango, 1998; Norrgard, 1998; Mil&aacute;nkovics, 2010; Cowan, 2010). This amino acid position is not well conserved in available vertebrate species. In vitro studies showed slightly reduced but not complete loss of biotinidase activity in HEK293 cells (Borsatto, 2019). This alteration is predicted to be deleterious by in silico analysis. Based on the available evidence, this alteration is classified as pathogenic.

Department of Human Genetics, Hannover Medical School
Classification: Pathogenic for Biotinidase deficiency. Last evaluated: 2023-11-15. Review status: criteria provided, single submitter. Criteria: ACMG Guidelines, 2015. Collection method: clinical testing. Allele origin: germline. Affected: yes.

Laboratory for Molecular Medicine, Mass General Brigham Personalized Medicine
Classification: Pathogenic for Biotinidase deficiency. Last evaluated: 2023-08-25. Review status: criteria provided, single submitter. Criteria: ACMG Guidelines, 2015. Collection method: clinical testing. Allele origin: germline. Inheritance: Autosomal recessive inheritance.
Comment: The p.Asp424His variant (also referred to as p.Asp444His) in BTD has been reported in several individuals with biotinidase deficiency, segregated with disease in affected relatives, and is predicted to lead to a ~25% reduction in biotinidase activity (Norrgard 1998 PMID: 9232193). This variant has also been reported by other clinical laboratories in ClinVar (Variation ID 1900) and has been identified in 5.53% (587/10610) of Finnish chromosomes, including 25 homozygotes, by gnomAD (v.3.1.2). Although this variant is seen in the general population, its frequency is consistent with its predicted effect. Individuals homozygous for the p.Asp424His variant are expected to have approximately 50% of mean normal serum biotinidase deficiency, similar to the activity of heterozygotes for profound biotinidase deficiency. When found in the compound heterozygous state with a severe pathogenic variant in BTD, this variant is reported to be the most common cause of partial biotinidase deficiency (Swango 1998 PMID: 9654207). In vitro functional studies support an impact on protein function (Borsatto 2019 PMID: 31337602, Liu 2018 PMID: 29359854). In summary, this variant meets criteria to be classified as pathogenic for autosomal recessive biotinidase deficiency, though it is considered a mild allele. ACMG/AMP Criteria applied: PM3_Strong, PP1_Strong, PS3_Supporting.

Variantyx, Inc.
Classification: Pathogenic for Biotinidase deficiency. Last evaluated: 2022-11-07. Review status: criteria provided, single submitter. Criteria: Variantyx Assertion Criteria 2022. Collection method: clinical testing. Allele origin: germline. Inheritance: Autosomal recessive inheritance.
Comment: This is a nonsynonymous variant in the BTD gene (OMIM 609019). Biallelic pathogenic variants in this gene have been associated with autosomal recessive biotinidase deficiency (BTD deficiency). This missense variant, also known as p.Asp444His, is a common pathogenic variant associated with partial biotinidase deficiency when found in trans with a more severe pathogenic variant (PMID: 20301497) (PM3_Very Strong). Functional studies have shown that this variant alters BTD protein function (PMID: 29359854, 31337602) (PS3_Moderate). Multiple computational algorithms predict a deleterious effect for this substitution (PP3). This variant has a 4.031% maximum allele frequency in non-founder control populations. Based on the current evidence, this variant is classified as pathogenic for autosomal recessive BTD deficiency.

MGZ Medical Genetics Center
Classification: Likely pathogenic for Biotinidase deficiency. Last evaluated: 2022-06-15. Review status: criteria provided, single submitter. Criteria: ACMG Guidelines, 2015. Collection method: clinical testing. Allele origin: germline. Affected: yes. Observed: 2 variant alleles.
Comment: ACMG criteria applied: PS3, PM3, PP1, PP3

Genetics and Molecular Pathology, SA Pathology
Classification: Pathogenic for Biotinidase deficiency. Last evaluated: 2022-03-24. Review status: criteria provided, single submitter. Criteria: ACMG Guidelines, 2015. Collection method: clinical testing. Allele origin: germline.
Comment: The p.(Asp444His) variant is a well-established hypomorphic pathogenic variant (PMID: 20301497), reported in multiple individuals and classified as pathogenic by multiple laboratories (ClinVar). It is associated with partial biotinidase deficiency when seen in trans with a pathogenic variant.

Centre of Medical Genetics, University Hospital Muenster
Classification: Pathogenic for Biotinidase deficiency. Last evaluated: 2022-02-08. Review status: criteria provided, single submitter. Criteria: ACMG Guidelines, 2015. Collection method: clinical testing. Allele origin: germline. Affected: yes. Observed: 1 variant allele, 1 compound heterozygote.
Comment: ACMG categories: PS3,PM3,PM7,PP3,PP5,BP1

Dasa
Classification: Pathogenic for Biotinidase deficiency. Last evaluated: 2022-01-05. Review status: criteria provided, single submitter. Criteria: ACMG Guidelines, 2015. Collection method: clinical testing. Allele origin: germline. Affected: yes. Observed: 4 variant alleles.
Comment: The c.1270G>C;p.(Asp424His) missense variant has been observed in affected individual(s) and ClinVar contains an entry for this variant (ClinVar ID: 1900; PMID: 29353266; 29359854; 27845546; 9654207;10206677;11668630) - PS4. Well-established in vitro or in vivo functional studies support a damaging effect on the gene or gene product (PMID: 31208052; 31337602) - PS3_moderate. The p.(Asp424His) was detected in trans with a pathogenic variant (PMID: 11313766; 9654207; 10206677) - PM3. Multiple lines of computational evidence support a deleterious effect on the gene or gene product - PP3. Patient’s phenotype is highly specific for a disease with a single genetic etiology - PP4 and allele frequency is greater than expected for disorder -BS1. The variant was observed in trans with a pathogenic variant for a fully penetrant dominant gene/disorder or observed in cis with a pathogenic variant in any inheritance pattern (cis with rs13073139) - BP2. In summary, the currently available evidence indicates that the variant is pathogenic.

Institute for Clinical Genetics, University Hospital TU Dresden, University Hospital TU Dresden
Classification: Pathogenic. Last evaluated: 2021-11-03. Review status: criteria provided, single submitter. Criteria: ACMG Guidelines, 2015. Collection method: clinical testing. Allele origin: germline.

Genome-Nilou Lab
Classification: Pathogenic for Biotinidase deficiency. Last evaluated: 2021-05-18. Review status: criteria provided, single submitter. Criteria: ACMG Guidelines, 2015. Collection method: clinical testing. Allele origin: germline. Affected: no.

Women's Health and Genetics/Laboratory Corporation of America, LabCorp
Classification: Pathogenic for Biotinidase deficiency. Last evaluated: 2021-04-21. Review status: criteria provided, single submitter. Criteria: LabCorp Variant Classification Summary - May 2015. Collection method: clinical testing. Allele origin: germline.
Comment: Variant summary: BTD c.1270G>C (p.Asp424His), also known as c.1330G>C (p.Asp444His), results in a non-conservative amino acid change located in the Domain B (biotin-binding, Borsatto_2019) of the encoded protein sequence. Five of five in-silico tools predict a damaging effect of the variant on protein function. The variant allele was found at a frequency of 0.032 in 251430 control chromosomes in the gnomAD database, including 183 homozygotes. The observed variant frequency is significantly higher than estimated for a pathogenic variant in BTD causing Biotinidase Deficiency phenotype, suggesting that the variant is benign. c.1270G>C has been reported in the literature in multiple individuals affected with partial Biotinidase deficiency, a milder form of Biotinidase deficiency that is amenable to treatment with biotin (example, Swango_1998, Wiltink_2016, Procter_2016, Yilmaz_2018). Many of the patients presenting with partial Biotinidase deficiency attributed to this variant (c.1270G>C) were compound heterozygous with other BTD variants associated with a mild or a severe phenotype. However, this variant has also been observed in reportedly normal homozygous individuals who had >30% of wild-type levels of serum Biotinidase enzyme activity (Wiltink_2016). Since serum Biotinidase activity levels >30% are considered normal (Wiltnik_2016), these findings imply that homozygotes for this variant will be unaffected, a finding that is consistent with the high frequency of homozygotes in gnomAD database. c.1270G>C has also been observed in cis with p.Ala151Thr (also known as p.Ala171Thr) forming a complex allele that causes less than 10% of mean normal activity or profound Biotinidase deficiency in that allele (PMID: 10206677, Swango_1998, Wiltink_2016). Multiple publications report experimental evidence evaluating an impact on protein function. One study reported that this variant results in decreased protein expression but does not alter the activity of BTD enzyme (Liu_2018). Another study reports 46% of wild-type activity in cell homogenates but not in culture medium suggestive of an effect on enzyme lability rather than enzyme activity (Borsatto_2019). It is unclear how a 46% activity in cell homogenates correlates with a >30% activity in serum, which is considered normal. The authors state that the mechanism of decreased activity for this variant remains speculative (Borsatto_2019). Twenty ClinVar submitters (evaluation after 2014) cite the variant as uncertain significance (n=2), likely pathogenic (n=1) and pathogenic (n=17). Based on the evidence outlined above, the variant was classified as pathogenic in association with the phenotype of partial Biotinidase deficiency, a condition that is actionable and amenable to treatment with biotin.